The following is an entry in ClinVar:

NM_017739.4(POMGNT1):c.1064G>A (p.Gly355Asp)

Genes: POMGNT1 (protein O-linked mannose N-acetylglucosaminyltransferase 1 (beta 1,2-); minus strand), TSPAN1 (tetraspanin 1; plus strand). Cytogenetic location: 1p34.1.
Variant type: single nucleotide variant.
Coding change: c.1064G>A on transcript NM_017739.4 (MANE Select); coding-DNA position 1064, G replaced by A.
Protein change: p.Gly355Asp; replaces glycine 355 with aspartic acid.
Molecular consequence: missense variant.
Genome position (GRCh38, 1-based): chr1:46,193,351, C>T on the plus strand (G>A on the coding strand, the complement: POMGNT1 is on the minus strand). VCF-style: chr1-46193351-C-T. GRCh37 (hg19) VCF-style: chr1-46659023-C-T.
Other names: c.1064G>A, p.Gly355Asp (NM_001243766.2, NM_001410783.1); c.998G>A, p.Gly333Asp (NM_001290129.3); c.635G>A, p.Gly212Asp (NM_001290130.2); short protein forms G212D, G355D, G333D.
Identifiers: ClinVar variation 1493321 (VCV001493321.8), dbSNP rs2148192555, ClinGen allele CA340180005.

ClinVar aggregate classification (germline): Uncertain significance (1 of 4 stars; one submission).

Conditions:
Autosomal recessive limb-girdle muscular dystrophy type 2O. Also called: Limb-Girdle Muscular Dystrophy Type 3C; MUSCULAR DYSTROPHY-DYSTROGLYCANOPATHY (LIMB-GIRDLE), TYPE C, 3; MUSCULAR DYSTROPHY-DYSTROGLYCANOPATHY, LIMB-GIRDLE, POMGNT1-RELATED. Identifiers: Orphanet 206564, MedGen C3150417, MONDO:0013161, OMIM 613157.
Muscular dystrophy-dystroglycanopathy (congenital with impaired intellectual development), type B, 3. Also called: Muscular dystrophy-dystroglycanopathy (congenital with intellectual disability), type B3; MUSCULAR DYSTROPHY, CONGENITAL, POMGNT1-RELATED. Identifiers: MedGen C3150412, MONDO:0013155, OMIM 613151.

Submission:

Labcorp Genetics (formerly Invitae), Labcorp
Classification: Uncertain significance for Autosomal recessive limb-girdle muscular dystrophy type 2O; Muscular dystrophy-dystroglycanopathy (congenital with impaired intellectual development), type B, 3. Last evaluated: 2020-12-14. Review status: criteria provided, single submitter. Criteria: Invitae Variant Classification Sherloc (09022015). Collection method: clinical testing. Allele origin: germline.
Comment: Algorithms developed to predict the effect of missense changes on protein structure and function are either unavailable or do not agree on the potential impact of this missense change (SIFT: "Deleterious"; PolyPhen-2: "Probably Damaging"; Align-GVGD: "Class C15"). This sequence change replaces glycine with aspartic acid at codon 355 of the POMGNT1 protein (p.Gly355Asp). The glycine residue is highly conserved and there is a moderate physicochemical difference between glycine and aspartic acid. This variant is not present in population databases (ExAC no frequency). This variant has not been reported in the literature in individuals with POMGNT1-related conditions. In summary, the available evidence is currently insufficient to determine the role of this variant in disease. Therefore, it has been classified as a Variant of Uncertain Significance.